The following is an entry in ClinVar:

ClinVar aggregate classification (germline): Uncertain significance (1 of 4 stars; one submission).

Conditions:
Familial encephalopathy with neuroserpin inclusion bodies. Also called: ENCEPHALOPATHY, FAMILIAL, WITH COLLINS BODIES. Identifiers: Orphanet 85110, MedGen C1858680, MONDO:0011412, OMIM 604218.

Allele frequency attached by ClinVar (database versions not stated): gnomAD exomes below 0.00001 and 0.00001; TOPMed below 0.00001; ExAC 0.00001; gnomAD 0.00001.
gnomAD v4.1: 10 of 1,614,174 alleles (0.00062%); highest among the groups gnomAD compares: Non-Finnish European, 0.00076%; no homozygotes.

Submission:

Labcorp Genetics (formerly Invitae), Labcorp
Classification: Uncertain significance for Familial encephalopathy with neuroserpin inclusion bodies. Last evaluated: 2021-11-18. Review status: criteria provided, single submitter. Criteria: Invitae Variant Classification Sherloc (09022015). Collection method: clinical testing. Allele origin: germline.
Comment: Advanced modeling of protein sequence and biophysical properties (such as structural, functional, and spatial information, amino acid conservation, physicochemical variation, residue mobility, and thermodynamic stability) performed at Invitae indicates that this missense variant is expected to disrupt SERPINI1 protein function. This variant has not been reported in the literature in individuals affected with SERPINI1-related conditions. This variant is present in population databases (rs769089864, gnomAD no frequency). This sequence change replaces asparagine, which is neutral and polar, with aspartic acid, which is acidic and polar, at codon 45 of the SERPINI1 protein (p.Asn45Asp). In summary, the available evidence is currently insufficient to determine the role of this variant in disease. Therefore, it has been classified as a Variant of Uncertain Significance.

NM_001122752.2(SERPINI1):c.133A>G (p.Asn45Asp)

Gene: SERPINI1 (serpin family I member 1; plus strand). Cytogenetic location: 3q26.1.
Variant type: single nucleotide variant.
Coding change: c.133A>G on transcript NM_001122752.2 (MANE Select); coding-DNA position 133, A replaced by G.
Protein change: p.Asn45Asp; replaces asparagine 45 with aspartic acid.
Molecular consequence: missense variant.
Genome position (GRCh38, 1-based): chr3:167,789,261, A>G. VCF-style: chr3-167789261-A-G. GRCh37 (hg19) VCF-style: chr3-167507049-A-G.
Other names: c.133A>G, p.Asn45Asp (NM_005025.5); short protein forms N45D.
Identifiers: ClinVar variation 1372834 (VCV001372834.6), dbSNP rs769089864, ClinGen allele CA2694736.